The following is an entry in ClinVar:

ClinVar aggregate classification (germline): Pathogenic. Review status: criteria provided, single submitter (1 of 4 stars). 2 submissions from 2 submitters: Pathogenic (1). 1 of the submissions does not count toward it. Last evaluated 2024-06-21.

Conditions:
GFRA1-related disorder. Also called: GFRA1-related condition.

Submissions (2):

GeneDx
Classification: Pathogenic. Last evaluated: 2024-06-21. Review status: criteria provided, single submitter. Criteria: GeneDx Variant Classification Process June 2021. Collection method: clinical testing. Allele origin: germline. Affected: yes.
Comment: Frameshift variant predicted to result in protein truncation or nonsense mediated decay in a gene for which loss of function is a known mechanism of disease; Has not been previously published as pathogenic or benign to our knowledge

PreventionGenetics, part of Exact Sciences
Classification: Likely pathogenic for GFRA1-related condition. Last evaluated: 2024-05-06. Review status: no assertion criteria provided. Collection method: clinical testing. Allele origin: germline. Not counted in ClinVar's aggregate classification.
Comment: The GFRA1 c.792dupT variant is predicted to result in a frameshift and premature protein termination (p.Thr265Tyrfs*20). To our knowledge, this variant has not been reported in the literature. This variant is reported in 0.0042% of alleles in individuals of African descent in gnomAD. Frameshift variants in GFRA1 are expected to be pathogenic. This variant is interpreted as likely pathogenic.

NM_005264.8(GFRA1):c.792dup (p.Thr265fs)

Gene: GFRA1 (GDNF family receptor alpha 1; minus strand). Cytogenetic location: 10q25.3.
Variant type: Duplication.
Coding change: c.792dup on transcript NM_005264.8 (MANE Select); coding-DNA position 792, one base duplicated (T; older notation c.792dupT).
Protein change: p.Thr265fs; shifts the reading frame from threonine 265.
Molecular consequence: frameshift variant.
Genome position (GRCh38, 1-based): chr10:116,096,743, A duplicated on the plus strand (T on the coding strand, the reverse complement: GFRA1 is on the minus strand); the first of 7 consecutive A bases (chr10:116,096,743-116,096,749); duplicating any one gives the same sequence. VCF-style (leftmost placement, unchanged base first): chr10-116096742-T-TA. GRCh37 (hg19) VCF-style: chr10-117856253-T-TA.
Other names: c.777dup, p.Thr260fs (NM_001145453.4, NM_001348096.3, NM_001382556.2 and 6 more transcripts); c.792dup, p.Thr265fs (NM_001348098.4); c.429dup, p.Thr144fs (NM_001348099.3); c.792dup (NM_005264.5); short protein forms T144fs, T260fs, T265fs.
Identifiers: ClinVar variation 3349352 (VCV003349352.2).